The following is an entry in ClinVar:

ClinVar aggregate classification (germline): Uncertain significance. Review status: criteria provided, multiple submitters, no conflicts (2 of 4 stars). 2 submissions from 2 submitters: Uncertain significance (2). Last evaluated 2025-12-26.

Conditions:
Brugada syndrome. Also called: Sudden unexplained nocturnal death syndrome; Sudden unexpected nocturnal death syndrome; Sudden Unexplained Death Syndrome; Sudden Unexplained Nocturnal Death Syndrome (SUNDS). Identifiers: Orphanet 130, MedGen C1142166, MONDO:0015263.
Cardiovascular phenotype. Identifiers: MedGen CN230736.

gnomAD v4.1: 7 of 1,611,814 alleles (0.00043%); highest among the groups gnomAD compares: Non-Finnish European, 0.00042%; no homozygotes.

Submissions (2):

Ambry Genetics
Classification: Uncertain significance for Cardiovascular phenotype. Last evaluated: 2025-12-26. Review status: criteria provided, single submitter. Criteria: Ambry Variant Classification Scheme 2023. Collection method: clinical testing. Allele origin: germline.
Comment: The p.H992R variant (also known as c.2975A>G), located in coding exon 37 of the CACNA2D1 gene, results from an A to G substitution at nucleotide position 2975. The histidine at codon 992 is replaced by arginine, an amino acid with highly similar properties. This amino acid position is conserved. In addition, this alteration is predicted to be tolerated by in silico analysis. Based on the available evidence, the clinical significance of this variant remains unclear.

Labcorp Genetics (formerly Invitae), Labcorp
Classification: Uncertain significance for Brugada syndrome. Last evaluated: 2025-08-22. Review status: criteria provided, single submitter. Criteria: Invitae Variant Classification Sherloc (09022015). Collection method: clinical testing. Allele origin: germline.
Comment: This sequence change replaces histidine, which is basic and polar, with arginine, which is basic and polar, at codon 992 of the CACNA2D1 protein (p.His992Arg). This variant is not present in population databases (gnomAD no frequency). This variant has not been reported in the literature in individuals affected with CACNA2D1-related conditions. An algorithm developed to predict the effect of missense changes on protein structure and function (PolyPhen-2) suggests that this variant is likely to be tolerated. In summary, the available evidence is currently insufficient to determine the role of this variant in disease. Therefore, it has been classified as a Variant of Uncertain Significance.

NM_000722.4(CACNA2D1):c.2975A>G (p.His992Arg)

Gene: CACNA2D1 (calcium voltage-gated channel auxiliary subunit alpha2delta 1; minus strand). Cytogenetic location: 7q21.11.
Variant type: single nucleotide variant.
Coding change: c.2975A>G on transcript NM_000722.4 (MANE Select); coding-DNA position 2975, A replaced by G.
Protein change: p.His992Arg; replaces histidine 992 with arginine.
Molecular consequence: missense variant.
Genome position (GRCh38, 1-based): chr7:81,959,821, T>C on the plus strand (A>G on the coding strand, the complement: CACNA2D1 is on the minus strand). VCF-style: chr7-81959821-T-C. GRCh37 (hg19) VCF-style: chr7-81589137-T-C.
Other names: c.3011A>G, p.His1004Arg (NM_001366867.1); short protein forms H992R, H1004R.
Identifiers: ClinVar variation 4750075 (VCV004750075.2).